The following is an entry in ClinVar:

ClinVar aggregate classification (germline): Likely benign. Review status: criteria provided, multiple submitters, no conflicts (2 of 4 stars). 3 submissions from 3 submitters: Likely benign (3). Last evaluated 2025-10-01.

Allele frequency attached by ClinVar (database versions not stated): gnomAD 0.00001; ExAC 0.00002; TOPMed 0.00002; gnomAD exomes 0.00003 and 0.00004; ESP Exome Variant Server 0.00015.
gnomAD v4.1: 41 of 1,609,810 alleles (0.0025%); highest among the groups gnomAD compares: Non-Finnish European, 0.0032%; no homozygotes.

Submissions (3):

Labcorp Genetics (formerly Invitae), Labcorp
Classification: Likely benign. Last evaluated: 2025-10-01. Review status: criteria provided, single submitter. Criteria: Invitae Variant Classification Sherloc (09022015). Collection method: clinical testing. Allele origin: germline.

Blueprint Genetics
Classification: Likely benign. Last evaluated: 2024-11-08. Review status: criteria provided, single submitter. Criteria: ACMG Guidelines, 2015. Collection method: clinical testing. Allele origin: germline.

CeGaT Center for Human Genetics Tuebingen
Classification: Likely benign. Last evaluated: 2022-08-01. Review status: criteria provided, single submitter. Criteria: CeGaT Center For Human Genetics Tuebingen Variant Classification Criteria Version 2. Collection method: clinical testing. Allele origin: germline. Affected: yes. Observed: 1 variant allele.
Comment: RNF13: BP4, BP7

NM_183381.3(RNF13):c.760A>C (p.Arg254=)

Gene: RNF13 (ring finger protein 13; plus strand). Cytogenetic location: 3q25.1.
Variant type: single nucleotide variant.
Coding change: c.760A>C on transcript NM_183381.3 (MANE Select); coding-DNA position 760, A replaced by C.
Protein change: p.Arg254=; no amino-acid change (arginine 254 retained).
Molecular consequence: synonymous variant. On other transcripts: non-coding transcript variant (1).
Genome position (GRCh38, 1-based): chr3:149,960,115, A>C. VCF-style: chr3-149960115-A-C. GRCh37 (hg19) VCF-style: chr3-149677902-A-C.
Other names: c.760A>C, p.Arg254= (NM_001378285.1, NM_001378286.1, NM_007282.4); c.403A>C, p.Arg135= (NM_001378287.1, NM_001378288.1, NM_001378289.1 and 2 more transcripts); c.367A>C, p.Arg123= (NM_001378291.1).
Identifiers: ClinVar variation 1626987 (VCV001626987.34), dbSNP rs1802142, ClinGen allele CA2663098.